The following is an entry in ClinVar:

ClinVar aggregate classification (germline): Conflicting classifications of pathogenicity. Review status: criteria provided, conflicting classifications (1 of 4 stars). 4 submissions from 4 submitters: Uncertain significance (3); Likely benign (1). Last evaluated 2025-12-23.

Conditions:
Mitochondrial complex I deficiency, nuclear type 4. Also called: Mitochondrial complex 1 deficiency, nuclear type 4. Identifiers: MedGen C4748753, MONDO:0032609, OMIM 618225.
Inborn genetic diseases. Identifiers: MedGen C0950123, MeSH D030342.

Allele frequency attached by ClinVar (database versions not stated): gnomAD exomes 0.00002; ExAC 0.00008; gnomAD 0.00037; TOPMed 0.00037; 1000 Genomes Project 0.00060; 1000 Genomes Project 30x 0.00062.

Submissions (4):

Labcorp Genetics (formerly Invitae), Labcorp
Classification: Likely benign. Last evaluated: 2025-12-23. Review status: criteria provided, single submitter. Criteria: Invitae Variant Classification Sherloc (09022015). Collection method: clinical testing. Allele origin: germline.

Mayo Clinic Laboratories, Mayo Clinic
Classification: Uncertain significance. Last evaluated: 2025-12-05. Review status: criteria provided, single submitter. Criteria: ACMG Guidelines, 2015. Collection method: clinical testing. Allele origin: germline. Observed: 1 variant allele.
Comment: PP3

Ambry Genetics
Classification: Uncertain significance for Inborn genetic diseases. Last evaluated: 2025-12-02. Review status: criteria provided, single submitter. Criteria: Ambry Variant Classification Scheme 2023. Collection method: clinical testing. Allele origin: germline.

Revvity Omics, Revvity
Classification: Uncertain significance for Mitochondrial complex I deficiency, nuclear type 4. Last evaluated: 2022-12-13. Review status: criteria provided, single submitter. Criteria: ACMG Guidelines, 2015. Collection method: clinical testing. Allele origin: germline.

NM_007103.4(NDUFV1):c.283A>G (p.Thr95Ala)

Gene: NDUFV1 (NADH:ubiquinone oxidoreductase core subunit V1; plus strand). Cytogenetic location: 11q13.2.
Variant type: single nucleotide variant.
Coding change: c.283A>G on transcript NM_007103.4 (MANE Select); coding-DNA position 283, A replaced by G.
Protein change: p.Thr95Ala; replaces threonine 95 with alanine.
Molecular consequence: missense variant.
Genome position (GRCh38, 1-based): chr11:67,608,679, A>G. VCF-style: chr11-67608679-A-G. GRCh37 (hg19) VCF-style: chr11-67376150-A-G.
Other names: p.Thr95Ala; c.256A>G, p.Thr86Ala (NM_001166102.2); short protein forms T95A, T86A.
Identifiers: ClinVar variation 2073264 (VCV002073264.6), dbSNP rs147242476, ClinGen allele CA322662.